The following is an entry in ClinVar:

ClinVar aggregate classification (germline): Uncertain significance. Review status: criteria provided, multiple submitters, no conflicts (2 of 4 stars). 2 submissions from 2 submitters: Uncertain significance (2). Last evaluated 2025-04-01.

Conditions:
Hereditary cancer-predisposing syndrome. Also called: Hereditary Cancer Syndrome; Hereditary neoplastic syndrome; Neoplastic Syndromes, Hereditary; Tumor predisposition. Identifiers: Orphanet 140162, MedGen C0027672, MeSH D009386, MONDO:0015356.
Familial cancer of breast. Also called: Hereditary breast cancer; BREAST CANCER, FAMILIAL; hereditary breast carcinoma. Identifiers: Orphanet 227535, MedGen C0346153, MONDO:0016419, OMIM 114480. Disease mechanism: loss of function.

gnomAD v4.1: 1 of 1,614,010 alleles (0.000062%); highest among the groups gnomAD compares: Non-Finnish European, 0.000085%; no homozygotes.

Submissions (2):

Ambry Genetics
Classification: Uncertain significance for Hereditary cancer-predisposing syndrome. Last evaluated: 2025-04-01. Review status: criteria provided, single submitter. Criteria: Ambry Variant Classification Scheme 2023. Collection method: clinical testing. Allele origin: germline.
Comment: The p.V476I variant (also known as c.1426G>A), located in coding exon 6 of the BARD1 gene, results from a G to A substitution at nucleotide position 1426. The valine at codon 476 is replaced by isoleucine, an amino acid with highly similar properties. This amino acid position is conserved. In addition, this alteration is predicted to be tolerated by in silico analysis. Based on the available evidence, the clinical significance of this variant remains unclear.

Labcorp Genetics (formerly Invitae), Labcorp
Classification: Uncertain significance for Familial cancer of breast. Last evaluated: 2024-12-11. Review status: criteria provided, single submitter. Criteria: Invitae Variant Classification Sherloc (09022015). Collection method: clinical testing. Allele origin: germline.
Comment: This sequence change replaces valine, which is neutral and non-polar, with isoleucine, which is neutral and non-polar, at codon 476 of the BARD1 protein (p.Val476Ile). This variant is not present in population databases (gnomAD no frequency). This variant has not been reported in the literature in individuals affected with BARD1-related conditions. An algorithm developed to predict the effect of missense changes on protein structure and function outputs the following: PolyPhen-2: "Benign". The isoleucine amino acid residue is found in multiple mammalian species, which suggests that this missense change does not adversely affect protein function. In summary, the available evidence is currently insufficient to determine the role of this variant in disease. Therefore, it has been classified as a Variant of Uncertain Significance.

NM_000465.4(BARD1):c.1426G>A (p.Val476Ile)

Gene: BARD1 (BRCA1 associated RING domain 1; minus strand). Cytogenetic location: 2q35.
Variant type: single nucleotide variant.
Coding change: c.1426G>A on transcript NM_000465.4 (MANE Select); coding-DNA position 1426, G replaced by A.
Protein change: p.Val476Ile; replaces valine 476 with isoleucine.
Molecular consequence: missense variant. On other transcripts: non-coding transcript variant (3), intron variant (3).
Genome position (GRCh38, 1-based): chr2:214,767,624, C>T on the plus strand (G>A on the coding strand, the complement: BARD1 is on the minus strand). VCF-style: chr2-214767624-C-T. GRCh37 (hg19) VCF-style: chr2-215632348-C-T.
Other names: c.1369G>A, p.Val457Ile (NM_001282543.2); c.159-15069G>A (NM_001282548.2); c.216-15069G>A (NM_001282545.2); c.364+24673G>A (NM_001282549.2); c.1426G>A (NM_000465.2); short protein forms V476I, V457I.
Identifiers: ClinVar variation 3727044 (VCV003727044.3).